The following is an entry in ClinVar:

NM_033118.4(MYLK2):c.95C>T (p.Ala32Val)

Gene: MYLK2 (myosin light chain kinase 2; plus strand). Cytogenetic location: 20q11.21.
Variant type: single nucleotide variant.
Coding change: c.95C>T on transcript NM_033118.4 (MANE Select); coding-DNA position 95, C replaced by T.
Protein change: p.Ala32Val; replaces alanine 32 with valine.
Molecular consequence: missense variant.
Genome position (GRCh38, 1-based): chr20:31,820,168, C>T. VCF-style: chr20-31820168-C-T. GRCh37 (hg19) VCF-style: chr20-30407971-C-T.
Other names: short protein forms A32V.
Identifiers: ClinVar variation 2819341 (VCV002819341.3), dbSNP rs2062244368, ClinGen allele CA408524911.

ClinVar aggregate classification (germline): Uncertain significance (1 of 4 stars; one submission).

Conditions:
Hypertrophic cardiomyopathy 1 (CMH1). Also called: Familial hypertrophic cardiomyopathy 1; MYH7-Related Familial Hypertrophic Cardiomyopathy. Identifiers: MedGen C3495498, MONDO:0008647, OMIM 192600.

Allele frequency attached by ClinVar (database versions not stated): gnomAD exomes below 0.00001; gnomAD 0.00001.
gnomAD v4.1: 2 of 1,613,860 alleles (0.00012%); highest among the groups gnomAD compares: African/African-American, 0.0027%; no homozygotes.

Submission:

Labcorp Genetics (formerly Invitae), Labcorp
Classification: Uncertain significance for Hypertrophic cardiomyopathy 1. Last evaluated: 2024-01-04. Review status: criteria provided, single submitter. Criteria: Invitae Variant Classification Sherloc (09022015). Collection method: clinical testing. Allele origin: germline.
Comment: This sequence change replaces alanine, which is neutral and non-polar, with valine, which is neutral and non-polar, at codon 32 of the MYLK2 protein (p.Ala32Val). This variant is not present in population databases (gnomAD no frequency). This variant has not been reported in the literature in individuals affected with MYLK2-related conditions. An algorithm developed to predict the effect of missense changes on protein structure and function (PolyPhen-2) suggests that this variant is likely to be tolerated. In summary, the available evidence is currently insufficient to determine the role of this variant in disease. Therefore, it has been classified as a Variant of Uncertain Significance.